The following is an entry in ClinVar:

ClinVar aggregate classification (germline): Uncertain significance (1 of 4 stars; one submission).

gnomAD v4.1: 3 of 1,614,050 alleles (0.00019%); highest among the groups gnomAD compares: Admixed American, 0.0017%; no homozygotes.

Submission:

Labcorp Genetics (formerly Invitae), Labcorp
Classification: Uncertain significance. Last evaluated: 2024-05-05. Review status: criteria provided, single submitter. Criteria: Invitae Variant Classification Sherloc (09022015). Collection method: clinical testing. Allele origin: germline.
Comment: This sequence change replaces glutamic acid, which is acidic and polar, with lysine, which is basic and polar, at codon 112 of the CASQ1 protein (p.Glu112Lys). This variant is not present in population databases (gnomAD no frequency). This variant has not been reported in the literature in individuals affected with CASQ1-related conditions. ClinVar contains an entry for this variant (Variation ID: 1347830). Advanced modeling of protein sequence and biophysical properties (such as structural, functional, and spatial information, amino acid conservation, physicochemical variation, residue mobility, and thermodynamic stability) performed at Invitae indicates that this missense variant is not expected to disrupt CASQ1 protein function with a negative predictive value of 80%. In summary, the available evidence is currently insufficient to determine the role of this variant in disease. Therefore, it has been classified as a Variant of Uncertain Significance.

NM_001231.5(CASQ1):c.334G>A (p.Glu112Lys)

Gene: CASQ1 (calsequestrin 1; plus strand). Cytogenetic location: 1q23.2.
Variant type: single nucleotide variant.
Coding change: c.334G>A on transcript NM_001231.5 (MANE Select); coding-DNA position 334, G replaced by A.
Protein change: p.Glu112Lys; replaces glutamic acid 112 with lysine.
Molecular consequence: missense variant.
Genome position (GRCh38, 1-based): chr1:160,192,856, G>A. VCF-style: chr1-160192856-G-A. GRCh37 (hg19) VCF-style: chr1-160162646-G-A.
Other names: short protein forms E112K.
Identifiers: ClinVar variation 1347830 (VCV001347830.8), dbSNP rs979091500, ClinGen allele CA31496219.